The following is an entry in ClinVar:

NC_012920.1(MT-ND5):m.13084A>T

Gene: MT-ND5 (mitochondrially encoded NADH dehydrogenase 5; plus strand).
Variant type: single nucleotide variant.
Genome position: chrM-13084-A-T.
Other names: MTND5, 13084A-T, SER250CYS; S250C.
Identifiers: ClinVar variation 9701 (VCV000009701.3), dbSNP rs267606896, ClinGen allele CA120631.
Genomic context (GRCh38, chrMT:13,084, plus strand): 5'-CACCCCTGACTCCCCTCAGCCATAGAAGGCCCCACCCCAGTCTCAGCCCTACTCCACTCA[A>T]GCACTATAGTTGTAGCAGGAATCTTCTTACTCATCCGCTTCCACCCCCTAGCAGAAAATA-3'

ClinVar aggregate classification (germline): Uncertain significance. Review status: reviewed by expert panel (3 of 4 stars). 4 submissions from 3 submitters: Uncertain significance (1). 3 of the submissions do not count toward it. Last evaluated 2023-11-13.

Conditions:
Leigh syndrome due to mitochondrial complex I deficiency. Identifiers: MedGen C1838951.
Mitochondrial disease. Also called: Mitochondrial disorder; Mitochondrial disorders. Identifiers: Orphanet 68380, MedGen C0751651, MeSH D028361, MONDO:0044970.
MELAS syndrome (MELAS). Also called: Juvenile myopathy, encephalopathy, lactic acidosis, stroke. Identifiers: Orphanet 550, MedGen C0162671, MONDO:0010789, OMIM 540000.

Submissions (4):

ClinGen Mitochondrial Disease Nuclear and Mitochondrial  Variant Curation Expert Panel, ClinGen
Classification: Uncertain significance for Mitochondrial disease. Last evaluated: 2023-11-13. Review status: reviewed by expert panel. Criteria: clingen mito disease acmg specifications v1-1. Collection method: curation. Allele origin: germline. Inheritance: Mitochondrial inheritance.
Comment: The m.13084A>T (p.S250C) variant in MT-ND5 has been reported in one family with primary mitochondrial disease to date (PMIDs: 12509858, 33062892). Complex I activity was mildly reduced in muscle. The variant was present at 85% in muscle, 82% in blood, 99% in buccal cells, 67% in urine, and 72% in fibroblast cell line. The variant was present at 75% in lymphocytes and 48% in fibroblasts. There are no additional individuals reported with de novo occurrences of this variant to our knowledge. This variant is absent in the GenBank dataset, Helix dataset, and gnomAD v3.1.2 (PM2_supporting). The computational predictor APOGEE gives a consensus rating of pathogenic with a score of 0.61 (Min=0, Max=1; APOGEE2 score is 0.883), which predicts a damaging effect on gene function (PP3). There are no cybrids, single fiber studies, or other functional assays reported on this variant. In summary, this variant meets criteria to be classified as uncertain significance for primary mitochondrial disease inherited in a mitochondrial manner. This classification was approved by the NICHD/NINDS U24 ClinGen Mitochondrial Disease Variant Curation Expert Panel on November 13, 2023. Mitochondrial DNA-specific ACMG/AMP criteria applied (PMID: 32906214): PP1, PP3, PM2_supporting.

OMIM
Classification: Pathogenic for LEIGH SYNDROME DUE TO MITOCHONDRIAL COMPLEX I DEFICIENCY. Last evaluated: 2003-06-10. Review status: no assertion criteria provided. Collection method: literature only. Allele origin: germline. Not counted in ClinVar's aggregate classification.

OMIM
Classification: Pathogenic for MELAS SYNDROME. Last evaluated: 2003-06-10. Review status: no assertion criteria provided. Collection method: literature only. Allele origin: germline. Not counted in ClinVar's aggregate classification.

GeneReviews
No classification provided. Condition: MELAS syndrome. Review status: no classification provided. Collection method: literature only. Allele origin: maternal. Not counted in ClinVar's aggregate classification.

Literature cited by the submitters: PubMed 12796552 (cited by OMIM and GeneReviews).